The following is an entry in ClinVar:

NM_001101677.2(SOHLH1):c.484G>T (p.Ala162Ser)

Gene: SOHLH1 (spermatogenesis and oogenesis specific basic helix-loop-helix 1; minus strand). Cytogenetic location: 9q34.3.
Variant type: single nucleotide variant.
Coding change: c.484G>T on transcript NM_001101677.2 (MANE Select); coding-DNA position 484, G replaced by T.
Protein change: p.Ala162Ser; replaces alanine 162 with serine.
Molecular consequence: missense variant.
Genome position (GRCh38, 1-based): chr9:135,696,789, C>A on the plus strand (G>T on the coding strand, the complement: SOHLH1 is on the minus strand). VCF-style: chr9-135696789-C-A. GRCh37 (hg19) VCF-style: chr9-138588635-C-A.
Other names: c.484G>T, p.Ala162Ser (NM_001012415.3); short protein forms A162S.
Identifiers: ClinVar variation 2291207 (VCV002291207.3), dbSNP rs748562936, ClinGen allele CA5325898.
Genomic context (GRCh38, chr9:135,696,789, plus strand): 5'-GCGGCACGGGCTCTGGGCTGGCCGACGCTGGATCCAGGGACCAAGGACTTTCCAGAAACG[C>A]CTTCACATCTGGGGTTCTAGAAGGAGCAACATGACAAGGATCCTGGGTCTATTCCCCAGC-3'
Protein context (NP_001095147.2, residues 152-172): SSGTRTPDVK[Ala162Ser]FLESPWSLDP

ClinVar aggregate classification (germline): Uncertain significance. Review status: criteria provided, single submitter (1 of 4 stars). 2 submissions from 2 submitters: Uncertain significance (1). 1 of the submissions does not count toward it. Last evaluated 2022-05-25.

Conditions:
SOHLH1-related disorder. Also called: SOHLH1-related condition.

Allele frequency attached by ClinVar (database versions not stated): ExAC 0.00001.
gnomAD v4.1: 2 of 1,613,036 alleles (0.00012%); highest among the groups gnomAD compares: South Asian, 0.0011%; no homozygotes.

Submissions (2):

Ambry Genetics
Classification: Uncertain significance. Last evaluated: 2022-05-25. Review status: criteria provided, single submitter. Criteria: Ambry Variant Classification Scheme 2023. Collection method: clinical testing. Allele origin: germline.

PreventionGenetics, part of Exact Sciences
Classification: Uncertain significance for SOHLH1-related condition. Last evaluated: 2024-06-05. Review status: no assertion criteria provided. Collection method: clinical testing. Allele origin: germline. Not counted in ClinVar's aggregate classification.
Comment: The SOHLH1 c.484G>T variant is predicted to result in the amino acid substitution p.Ala162Ser. To our knowledge, this variant has not been reported in the literature. This variant is reported in 0.0033% of alleles in individuals of South Asian descent in gnomAD. At this time, the clinical significance of this variant is uncertain due to the absence of conclusive functional and genetic evidence.